The following is an entry in ClinVar:

ClinVar aggregate classification (germline): Uncertain significance. Review status: criteria provided, single submitter (1 of 4 stars). 2 submissions from 2 submitters: Uncertain significance (1). 1 of the submissions does not count toward it. Last evaluated 2018-01-12.

Conditions:
SIM1-related disorder. Also called: SIM1-related disorders; SIM1-related condition.
Obesity due to SIM1 deficiency. Identifiers: Orphanet 369873, MedGen C5191050, MONDO:0018244.

Allele frequency attached by ClinVar (database versions not stated): TOPMed below 0.00001; ExAC 0.00002; gnomAD exomes 0.00001; gnomAD 0.00001.
gnomAD v4.1: 32 of 1,614,020 alleles (0.002%); highest among the groups gnomAD compares: Non-Finnish European, 0.0024%; no homozygotes.

Submissions (2):

Illumina Laboratory Services, Illumina
Classification: Uncertain significance for Obesity due to SIM1 deficiency. Last evaluated: 2018-01-12. Review status: criteria provided, single submitter. Criteria: ICSL Variant Classification Criteria 13 December 2019. Collection method: clinical testing. Allele origin: germline.

PreventionGenetics, part of Exact Sciences
Classification: Likely benign for SIM1-related condition. Last evaluated: 2021-10-04. Review status: no assertion criteria provided. Collection method: clinical testing. Allele origin: germline. Not counted in ClinVar's aggregate classification.
Comment: This variant is classified as likely benign based on ACMG/AMP sequence variant interpretation guidelines (Richards et al. 2015 PMID: 25741868, with internal and published modifications).

NM_005068.3(SIM1):c.628C>T (p.Leu210=)

Gene: SIM1 (SIM bHLH transcription factor 1; minus strand). Cytogenetic location: 6q16.3.
Variant type: single nucleotide variant.
Coding change: c.628C>T on transcript NM_005068.3 (MANE Select); coding-DNA position 628, C replaced by T.
Protein change: p.Leu210=; no amino-acid change (leucine 210 retained).
Molecular consequence: synonymous variant.
Genome position (GRCh38, 1-based): chr6:100,448,594, G>A on the plus strand (C>T on the coding strand, the complement: SIM1 is on the minus strand). VCF-style: chr6-100448594-G-A. GRCh37 (hg19) VCF-style: chr6-100896470-G-A.
Other names: c.628C>T, p.Leu210= (NM_001374769.1).
Identifiers: ClinVar variation 907035 (VCV000907035.6), dbSNP rs760422116, ClinGen allele CA3937251.